The following is an entry in ClinVar:

ClinVar aggregate classification (germline): Pathogenic (1 of 4 stars; one submission).

Submission:

Labcorp Genetics (formerly Invitae), Labcorp
Classification: Pathogenic. Last evaluated: 2023-07-25. Review status: criteria provided, single submitter. Criteria: Invitae Variant Classification Sherloc (09022015). Collection method: clinical testing. Allele origin: germline.
Comment: For these reasons, this variant has been classified as Pathogenic. This variant disrupts a region of the SERPING1 protein in which other variant(s) (p.Cys205Tyr) have been determined to be pathogenic (PMID: 10719305; Invitae). This suggests that this is a clinically significant region of the protein, and that variants that disrupt it are likely to be disease-causing. A similar copy number variant has been observed in individuals with hereditary angioedema (PMID: 11139243, 14635117, 15971231, 18758157). This variant is a gross deletion of the genomic region encompassing exon(s) 4 of the SERPING1 gene. This variant would be expected to be in-frame, preserving the integrity of the reading frame.

Literature cited by the submitters: PubMed 10719305; PubMed 11139243; PubMed 14635117; PubMed 15971231; PubMed 18758157.

NC_000011.9:g.(?_57369488)_(57369662_?)del

Gene: SERPING1 (serpin family G member 1; plus strand). Cytogenetic location: 11q12.1.
Variant type: Deletion.
Identifiers: ClinVar variation 1398002 (VCV001398002.5).